The following is an entry in ClinVar:

NM_001267550.2(TTN):c.105614del (p.Asn35205fs)

Genes: TTN (titin; minus strand), TTN-AS1 (TTN antisense RNA 1; plus strand), LOC129935183 (ATAC-STARR-seq lymphoblastoid active region 16808; plus strand). Cytogenetic location: 2q31.2.
Variant type: Deletion.
Coding change: c.105614del on transcript NM_001267550.2 (MANE Select); coding-DNA position 105614, one base deleted (A; older notation c.105614delA).
Protein change: p.Asn35205fs; shifts the reading frame from asparagine 35205.
Molecular consequence: frameshift variant.
Genome position (GRCh38, 1-based): chr2:178,531,001, T deleted on the plus strand (A on the coding strand, the reverse complement: TTN is on the minus strand); the first of 4 consecutive T bases (chr2:178,531,001-178,531,004); deleting any one gives the same sequence. VCF-style (leftmost placement, unchanged base first): chr2-178531000-GT-G. GRCh37 (hg19) VCF-style: chr2-179395727-GT-G.
Other names: c.100691del, p.Asn33564fs (NM_001256850.1); c.78419del, p.Asn26140fs (NM_003319.4); c.97910del, p.Asn32637fs (NM_133378.4); c.78794del, p.Asn26265fs (NM_133432.3); c.78995del, p.Asn26332fs (NM_133437.4); short protein forms N26140fs, N26265fs, N26332fs, N32637fs, N33564fs, N35205fs.
Identifiers: ClinVar variation 1067816 (VCV001067816.12), dbSNP rs2154133153, ClinGen allele CA2499215272.

ClinVar aggregate classification (germline): Likely pathogenic (1 of 4 stars; one submission).

Conditions:
Dilated cardiomyopathy 1G (CMD1G). Identifiers: Orphanet 154, MedGen C1858763, MONDO:0011400, OMIM 604145.
Autosomal recessive limb-girdle muscular dystrophy type 2J (LGMDR10). Also called: Limb-girdle muscular dystrophy, type 2J; MUSCULAR DYSTROPHY, LIMB-GIRDLE, AUTOSOMAL RECESSIVE 10. Identifiers: Orphanet 140922, MedGen C1837342, MONDO:0012127, OMIM 608807.

Submission:

Labcorp Genetics (formerly Invitae), Labcorp
Classification: Likely pathogenic for Dilated cardiomyopathy 1G; Autosomal recessive limb-girdle muscular dystrophy type 2J. Last evaluated: 2023-12-06. Review status: criteria provided, single submitter. Criteria: Invitae Variant Classification Sherloc (09022015). Collection method: clinical testing. Allele origin: germline.
Comment: This sequence change creates a premature translational stop signal (p.Asn35205Thrfs*12) in the TTN gene. While this is not anticipated to result in nonsense mediated decay, it is expected to create a truncated TTN protein. This variant is not present in population databases (gnomAD no frequency). This variant has not been reported in the literature in individuals affected with TTN-related conditions. ClinVar contains an entry for this variant (Variation ID: 1067816). This variant is located in the M band of TTN (PMID: 25589632). Truncating variants in this region have been previously reported in individuals affected with autosomal recessive myopathy and muscular dystrophy (PMID: 18948003, 23975875, 24395473). Truncating variants in this region have also been identified in individuals affected with autosomal dominant dilated cardiomyopathy and/or cardio-related conditions (PMID: 27869827, 32964742). In summary, the currently available evidence indicates that the variant is pathogenic, but additional data are needed to prove that conclusively. Therefore, this variant has been classified as Likely Pathogenic.

Literature cited by the submitters: PubMed 25589632; PubMed 18948003; PubMed 23975875; PubMed 24395473; PubMed 27869827; PubMed 32964742.